The following is an entry in ClinVar:

NM_000465.4(BARD1):c.2141C>T (p.Thr714Ile)

Gene: BARD1 (BRCA1 associated RING domain 1; minus strand). Cytogenetic location: 2q35.
Variant type: single nucleotide variant.
Coding change: c.2141C>T on transcript NM_000465.4 (MANE Select); coding-DNA position 2141, C replaced by T.
Protein change: p.Thr714Ile; replaces threonine 714 with isoleucine.
Molecular consequence: missense variant. On other transcripts: non-coding transcript variant (3).
Genome position (GRCh38, 1-based): chr2:214,728,869, G>A on the plus strand (C>T on the coding strand, the complement: BARD1 is on the minus strand). VCF-style: chr2-214728869-G-A. GRCh37 (hg19) VCF-style: chr2-215593593-G-A.
Other names: c.2084C>T, p.Thr695Ile (NM_001282543.2); c.788C>T, p.Thr263Ile (NM_001282545.2); c.731C>T, p.Thr244Ile (NM_001282548.2); c.602C>T, p.Thr201Ile (NM_001282549.2); short protein forms T244I, T201I, T695I, T263I, T714I.
Identifiers: ClinVar variation 1786594 (VCV001786594.2), dbSNP rs2469269896, ClinGen allele CA350450499.

ClinVar aggregate classification (germline): Uncertain significance (1 of 4 stars; one submission).

Conditions:
Hereditary cancer-predisposing syndrome. Also called: Neoplastic Syndromes, Hereditary; Tumor predisposition; Hereditary Cancer Syndrome; Hereditary neoplastic syndrome. Identifiers: Orphanet 140162, MedGen C0027672, MeSH D009386, MONDO:0015356.

Allele frequency attached by ClinVar (database versions not stated): gnomAD exomes below 0.00001.
gnomAD v4.1: 2 of 1,614,218 alleles (0.00012%); highest among the groups gnomAD compares: Non-Finnish European, 0.00017%; no homozygotes.

Submission:

Ambry Genetics
Classification: Uncertain significance for Hereditary cancer-predisposing syndrome. Last evaluated: 2020-08-21. Review status: criteria provided, single submitter. Criteria: Ambry Variant Classification Scheme 2023. Collection method: clinical testing. Allele origin: germline.
Comment: The p.T714I variant (also known as c.2141C>T), located in coding exon 11 of the BARD1 gene, results from a C to T substitution at nucleotide position 2141. The threonine at codon 714 is replaced by isoleucine, an amino acid with similar properties. This amino acid position is highly conserved in available vertebrate species. In addition, the in silico prediction for this alteration is inconclusive. Since supporting evidence is limited at this time, the clinical significance of this alteration remains unclear.